The following is an entry in ClinVar:

ClinVar aggregate classification (germline): Likely pathogenic (1 of 4 stars; one submission).

Submission:

Labcorp Genetics (formerly Invitae), Labcorp
Classification: Likely pathogenic. Last evaluated: 2023-08-04. Review status: criteria provided, single submitter. Criteria: Invitae Variant Classification Sherloc (09022015). Collection method: clinical testing. Allele origin: germline.
Comment: In summary, the currently available evidence indicates that the variant is pathogenic, but additional data are needed to prove that conclusively. Therefore, this variant has been classified as Likely Pathogenic. Algorithms developed to predict the effect of sequence changes on RNA splicing suggest that this variant may disrupt the consensus splice site. ClinVar contains an entry for this variant (Variation ID: 2029398). This variant has not been reported in the literature in individuals affected with IL6ST-related conditions. This variant is not present in population databases (gnomAD no frequency). This sequence change affects a donor splice site in intron 13 of the IL6ST gene. It is expected to disrupt RNA splicing. Variants that disrupt the donor or acceptor splice site typically lead to a loss of protein function (PMID: 16199547), and loss-of-function variants in IL6ST are known to be pathogenic (PMID: 31914175).

Literature cited by the submitters: PubMed 16199547; PubMed 31914175.

NM_002184.4(IL6ST):c.1699+1G>C

Gene: IL6ST (interleukin 6 cytokine family signal transducer; minus strand). Cytogenetic location: 5q11.2.
Variant type: single nucleotide variant.
Coding change: c.1699+1G>C on transcript NM_002184.4 (MANE Select); the canonical splice donor site of the intron after coding-DNA position 1699, G replaced by C.
Molecular consequence: splice donor variant.
Genome position (GRCh38, 1-based): chr5:55,951,928, C>G on the plus strand (G>C on the coding strand, the complement: IL6ST is on the minus strand). VCF-style: chr5-55951928-C-G. GRCh37 (hg19) VCF-style: chr5-55247756-C-G.
Other names: c.1489+1G>C (NM_001364276.2); c.703+1G>C (NM_001364279.2); c.796+1G>C (NM_001364278.2); c.832+1G>C (NM_001364277.2); c.*626+1G>C (NM_175767.3); c.1516+1G>C (NM_001190981.2); c.1597+1G>C (NM_001364275.2).
Identifiers: ClinVar variation 2029398 (VCV002029398.4), dbSNP rs2533481097, ClinGen allele CA359761862.
Genomic context (GRCh38, chr5:55,951,928, plus strand): 5'-TAGTACTTAAAAGCTTAAGGAAAAAATAACTGATTCTTAATAACTGATACAGTTTTATTA[C>G]CAGTTTCATTTCCAATGATGGTTCTATAAAATATAGTATAATTTCTGATAAATCCATTCT-3'